The following is an entry in ClinVar:

NM_002661.5(PLCG2):c.1177G>T (p.Ala393Ser)

Gene: PLCG2 (phospholipase C gamma 2; plus strand). Cytogenetic location: 16q23.3.
Variant type: single nucleotide variant.
Coding change: c.1177G>T on transcript NM_002661.5 (MANE Select); coding-DNA position 1177, G replaced by T.
Protein change: p.Ala393Ser; replaces alanine 393 with serine.
Molecular consequence: missense variant.
Genome position (GRCh38, 1-based): chr16:81,895,911, G>T. VCF-style: chr16-81895911-G-T. GRCh37 (hg19) VCF-style: chr16-81929516-G-T.
Other names: short protein forms A393S.
Identifiers: ClinVar variation 1919067 (VCV001919067.5), dbSNP rs760949449, ClinGen allele CA8193627.

ClinVar aggregate classification (germline): Uncertain significance (1 of 4 stars; one submission).

Conditions:
Familial cold autoinflammatory syndrome 3 (FCAS3). Also called: FAMILIAL ATYPICAL COLD URTICARIA; ANTIBODY DEFICIENCY AND IMMUNE DYSREGULATION, PLCG2-ASSOCIATED. Identifiers: Orphanet 300359, MedGen C3280914, MONDO:0013766, OMIM 614468.

Allele frequency attached by ClinVar (database versions not stated): TOPMed below 0.00001.
gnomAD v4.1: 18 of 1,614,126 alleles (0.0011%); highest among the groups gnomAD compares: Non-Finnish European, 0.0015%; no homozygotes.

Submission:

Labcorp Genetics (formerly Invitae), Labcorp
Classification: Uncertain significance for Familial cold autoinflammatory syndrome 3. Last evaluated: 2022-07-15. Review status: criteria provided, single submitter. Criteria: Invitae Variant Classification Sherloc (09022015). Collection method: clinical testing. Allele origin: germline.
Comment: Algorithms developed to predict the effect of missense changes on protein structure and function (SIFT, PolyPhen-2, Align-GVGD) all suggest that this variant is likely to be disruptive. This variant has not been reported in the literature in individuals affected with PLCG2-related conditions. This variant is present in population databases (rs760949449, gnomAD 0.004%). This sequence change replaces alanine, which is neutral and non-polar, with serine, which is neutral and polar, at codon 393 of the PLCG2 protein (p.Ala393Ser). In summary, the available evidence is currently insufficient to determine the role of this variant in disease. Therefore, it has been classified as a Variant of Uncertain Significance.